The following is an entry in ClinVar:

NM_001257.5(CDH13):c.1753A>G (p.Ile585Val)

Gene: CDH13 (cadherin 13; plus strand). Cytogenetic location: 16q23.3.
Variant type: single nucleotide variant.
Coding change: c.1753A>G on transcript NM_001257.5 (MANE Select); coding-DNA position 1753, A replaced by G.
Protein change: p.Ile585Val; replaces isoleucine 585 with valine.
Molecular consequence: missense variant.
Genome position (GRCh38, 1-based): chr16:83,780,039, A>G. VCF-style: chr16-83780039-A-G. GRCh37 (hg19) VCF-style: chr16-83813644-A-G.
Other names: c.1894A>G, p.Ile632Val (NM_001220488.2); c.1636A>G, p.Ile546Val (NM_001220489.2); c.991A>G, p.Ile331Val (NM_001220490.2); short protein forms I331V, I546V, I585V, I632V.
Identifiers: ClinVar variation 2634177 (VCV002634177.1), dbSNP rs199759196, ClinGen allele CA8196865.

ClinVar aggregate classification (germline): Uncertain significance (1 of 4 stars; one submission).

Conditions:
CDH13-related disorder. Also called: CDH13-related condition.

Allele frequency attached by ClinVar (database versions not stated): 1000 Genomes Project 30x 0.00016; 1000 Genomes Project 0.00020; ExAC 0.00031; TOPMed 0.00037; gnomAD 0.00044; ESP Exome Variant Server 0.00049.
gnomAD v4.1: 898 of 1,613,970 alleles (0.056%); highest among the groups gnomAD compares: Non-Finnish European, 0.07%; 1 homozygote.

Submission:

PreventionGenetics, part of Exact Sciences
Classification: Uncertain significance for CDH13-related condition. Last evaluated: 2022-08-24. Review status: criteria provided, single submitter. Criteria: ACMG Guidelines, 2015. Collection method: clinical testing. Allele origin: germline.
Comment: The CDH13 c.1894A>G variant is predicted to result in the amino acid substitution p.Ile632Val. To our knowledge, this variant has not been reported in the literature. This variant is reported in 0.062% of alleles in individuals of European (Non-Finnish) descent in gnomAD, which is likely too common to be consistent with a disease-causing variant. Although we suspect that this variant may be benign, at this time, the clinical significance of this variant is uncertain due to the absence of conclusive functional and genetic evidence.